The following is an entry in ClinVar:

NM_000171.4(GLRA1):c.937A>G (p.Ile313Val)

Gene: GLRA1 (glycine receptor alpha 1; minus strand). Cytogenetic location: 5q33.1.
Variant type: single nucleotide variant.
Coding change: c.937A>G on transcript NM_000171.4 (MANE Select); coding-DNA position 937, A replaced by G.
Protein change: p.Ile313Val; replaces isoleucine 313 with valine.
Molecular consequence: missense variant.
Genome position (GRCh38, 1-based): chr5:151,829,043, T>C on the plus strand (A>G on the coding strand, the complement: GLRA1 is on the minus strand). VCF-style: chr5-151829043-T-C. GRCh37 (hg19) VCF-style: chr5-151208604-T-C.
Other names: c.937A>G, p.Ile313Val (NM_001146040.2); c.688A>G, p.Ile230Val (NM_001292000.2); short protein forms I230V, I313V.
Identifiers: ClinVar variation 1384306 (VCV001384306.8), dbSNP rs1346802411, ClinGen allele CA361851849.

ClinVar aggregate classification (germline): Uncertain significance (1 of 4 stars; one submission).

Conditions:
Hereditary hyperekplexia. Identifiers: Orphanet 3197, MedGen C4084968, MONDO:0021022.

gnomAD v4.1: 1 of 1,613,998 alleles (0.000062%); highest among the groups gnomAD compares: Non-Finnish European, 0.000085%; no homozygotes.

Submission:

Labcorp Genetics (formerly Invitae), Labcorp
Classification: Uncertain significance for Hereditary hyperekplexia. Last evaluated: 2021-07-09. Review status: criteria provided, single submitter. Criteria: Invitae Variant Classification Sherloc (09022015). Collection method: clinical testing. Allele origin: germline.
Comment: In summary, the available evidence is currently insufficient to determine the role of this variant in disease. Therefore, it has been classified as a Variant of Uncertain Significance. Advanced modeling of protein sequence and biophysical properties (such as structural, functional, and spatial information, amino acid conservation, physicochemical variation, residue mobility, and thermodynamic stability) performed at Invitae indicates that this missense variant is not expected to disrupt GLRA1 protein function. This variant has not been reported in the literature in individuals with GLRA1-related conditions. This variant is not present in population databases (ExAC no frequency). This sequence change replaces isoleucine with valine at codon 313 of the GLRA1 protein (p.Ile313Val). The isoleucine residue is highly conserved and there is a small physicochemical difference between isoleucine and valine.